The following is an entry in ClinVar:

NM_017780.4(CHD7):c.2836-25A>G

Gene: CHD7 (chromodomain helicase DNA binding protein 7; plus strand). Cytogenetic location: 8q12.2.
Variant type: single nucleotide variant.
Coding change: c.2836-25A>G on transcript NM_017780.4 (MANE Select); 25 bases into the intron before coding-DNA position 2836, A replaced by G.
Molecular consequence: intron variant.
Genome position (GRCh38, 1-based): chr8:60,821,999, A>G. VCF-style: chr8-60821999-A-G. GRCh37 (hg19) VCF-style: chr8-61734558-A-G.
Other names: c.1717-40230A>G (NM_001316690.1).
Identifiers: ClinVar variation 5001492 (VCV005001492.1).

ClinVar aggregate classification (germline): Likely benign (1 of 4 stars; one submission).

Conditions:
CHD7-related disorder. Also called: CHD7-related condition.

Submission:

PreventionGenetics, part of Exact Sciences
Classification: Likely benign for CHD7-related condition. Last evaluated: 2024-11-15. Review status: criteria provided, single submitter. Criteria: ACMG Guidelines, 2015. Collection method: clinical testing. Allele origin: germline.
Comment: This variant is classified as likely benign based on ACMG/AMP sequence variant interpretation guidelines (Richards et al. 2015 PMID: 25741868, with internal and published modifications).